The following is an entry in ClinVar:

NM_000188.3(HK1):c.2278G>A (p.Asp760Asn)

Gene: HK1 (hexokinase 1; plus strand). Cytogenetic location: 10q22.1.
Variant type: single nucleotide variant.
Coding change: c.2278G>A on transcript NM_000188.3 (MANE Select); coding-DNA position 2278, G replaced by A.
Protein change: p.Asp760Asn; replaces aspartic acid 760 with asparagine.
Molecular consequence: missense variant.
Genome position (GRCh38, 1-based): chr10:69,395,008, G>A. VCF-style: chr10-69395008-G-A. GRCh37 (hg19) VCF-style: chr10-71154764-G-A.
Other names: c.2290G>A, p.Asp764Asn (NM_001322364.2, NM_001358263.1, NM_033497.3 and 1 more transcripts); c.2383G>A, p.Asp795Asn (NM_001322365.2); c.2194G>A, p.Asp732Asn (NM_001322366.1); c.2182G>A, p.Asp728Asn (NM_001322367.1); c.2275G>A, p.Asp759Asn (NM_033496.3); c.2242G>A, p.Asp748Asn (NM_033500.2); c.2278G>A (NM_000188.2); short protein forms D748N, D764N, D795N, D732N, D728N, D759N, D760N.
Identifiers: ClinVar variation 1502120 (VCV001502120.9), dbSNP rs773954502, ClinGen allele CA5532823.

ClinVar aggregate classification (germline): Uncertain significance. Review status: criteria provided, multiple submitters, no conflicts (2 of 4 stars). 3 submissions from 3 submitters: Uncertain significance (3). Last evaluated 2025-12-11.

Conditions:
Inborn genetic diseases. Identifiers: MedGen C0950123, MeSH D030342.

Allele frequency attached by ClinVar (database versions not stated): ExAC 0.00001; gnomAD 0.00001; gnomAD exomes 0.00001; TOPMed 0.00001.
gnomAD v4.1: 12 of 1,613,908 alleles (0.00074%); highest among the groups gnomAD compares: Admixed American, 0.0067%; no homozygotes.

Submissions (3):

Ambry Genetics
Classification: Uncertain significance for Inborn genetic diseases. Last evaluated: 2025-12-11. Review status: criteria provided, single submitter. Criteria: Ambry Variant Classification Scheme 2023. Collection method: clinical testing. Allele origin: germline.

Labcorp Genetics (formerly Invitae), Labcorp
Classification: Uncertain significance. Last evaluated: 2024-09-30. Review status: criteria provided, single submitter. Criteria: Invitae Variant Classification Sherloc (09022015). Collection method: clinical testing. Allele origin: germline.
Comment: This sequence change replaces aspartic acid, which is acidic and polar, with asparagine, which is neutral and polar, at codon 760 of the HK1 protein (p.Asp760Asn). This variant is present in population databases (rs773954502, gnomAD 0.01%). This variant has not been reported in the literature in individuals affected with HK1-related conditions. ClinVar contains an entry for this variant (Variation ID: 1502120). Invitae Evidence Modeling of protein sequence and biophysical properties (such as structural, functional, and spatial information, amino acid conservation, physicochemical variation, residue mobility, and thermodynamic stability) indicates that this missense variant is not expected to disrupt HK1 protein function with a negative predictive value of 80%. In summary, the available evidence is currently insufficient to determine the role of this variant in disease. Therefore, it has been classified as a Variant of Uncertain Significance.

Revvity Omics, Revvity
Classification: Uncertain significance. Last evaluated: 2023-08-10. Review status: criteria provided, single submitter. Criteria: ACMG Guidelines, 2015. Collection method: clinical testing. Allele origin: germline.